The following is an entry in ClinVar:

NM_177438.3(DICER1):c.2095T>C (p.Cys699Arg)

Gene: DICER1 (dicer 1, ribonuclease III; minus strand). Cytogenetic location: 14q32.13.
Variant type: single nucleotide variant.
Coding change: c.2095T>C on transcript NM_177438.3 (MANE Select); coding-DNA position 2095, T replaced by C.
Protein change: p.Cys699Arg; replaces cysteine 699 with arginine.
Molecular consequence: missense variant. On other transcripts: non-coding transcript variant (6).
Genome position (GRCh38, 1-based): chr14:95,112,193, A>G on the plus strand (T>C on the coding strand, the complement: DICER1 is on the minus strand). VCF-style: chr14-95112193-A-G. GRCh37 (hg19) VCF-style: chr14-95578530-A-G.
Other names: c.2095T>C, p.Cys699Arg (NM_001195573.1, NM_001271282.3, NM_001291628.2 and 13 more transcripts); c.1813T>C, p.Cys605Arg (NM_001395686.1); c.1690T>C, p.Cys564Arg (NM_001395687.1, NM_001395688.1, NM_001395689.1 and 3 more transcripts); c.1528T>C, p.Cys510Arg (NM_001395691.1); c.412T>C, p.Cys138Arg (NM_001395697.1); short protein forms C138R, C510R, C699R, C564R, C605R.
Identifiers: ClinVar variation 1785790 (VCV001785790.2), dbSNP rs1168346305, ClinGen allele CA390883035.
Genomic context (GRCh38, chr14:95,112,193, plus strand): 5'-ATTTATTTTCATTCGTATATGCTTTTCAAACATCCTTACCAATTTTGTGCAGTTTCTCAC[A>G]GCAAATGAGAGCTACAACTCTTTCAGCCAATCGTACACAGCTCATTGGTGGACCCTGAAA-3'
Protein context (NP_803187.1, residues 689-709): LAERVVALIC[Cys699Arg]EKLHKIGELD

ClinVar aggregate classification (germline): Uncertain significance (1 of 4 stars; one submission).

Conditions:
Hereditary cancer-predisposing syndrome. Also called: Neoplastic Syndromes, Hereditary; Tumor predisposition; Hereditary Cancer Syndrome; Hereditary neoplastic syndrome. Identifiers: Orphanet 140162, MedGen C0027672, MeSH D009386, MONDO:0015356.

Submission:

Ambry Genetics
Classification: Uncertain significance for Hereditary cancer-predisposing syndrome. Last evaluated: 2022-09-12. Review status: criteria provided, single submitter. Criteria: Ambry Variant Classification Scheme 2023. Collection method: clinical testing. Allele origin: germline.
Comment: The p.C699R variant (also known as c.2095T>C), located in coding exon 12 of the DICER1 gene, results from a T to C substitution at nucleotide position 2095. The cysteine at codon 699 is replaced by arginine, an amino acid with highly dissimilar properties. This amino acid position is conserved. In addition, this alteration is predicted to be deleterious by in silico analysis. Since supporting evidence is limited at this time, the clinical significance of this alteration remains unclear.